The following is an entry in ClinVar:

NM_001111125.3(IQSEC2):c.1509_1529delinsT (p.Glu503fs)

Gene: IQSEC2 (IQ motif and Sec7 domain ArfGEF 2; minus strand). Cytogenetic location: Xp11.22.
Variant type: Indel.
Coding change: c.1509_1529delinsT on transcript NM_001111125.3 (MANE Select); coding-DNA positions 1509 to 1529, ACAGCAAGAGGACAGCTCAGC replaced by T.
Protein change: p.Glu503fs; shifts the reading frame from glutamic acid 503.
Molecular consequence: frameshift variant.
Genome position (GRCh38, 1-based): chrX:53,251,047-53,251,067, GCTGAGCTGTCCTCTTGCTGT replaced by A on the plus strand (ACAGCAAGAGGACAGCTCAGC replaced by T on the coding strand, the reverse complement: IQSEC2 is on the minus strand). VCF-style: chrX-53251047-GCTGAGCTGTCCTCTTGCTGT-A. GRCh37 (hg19) VCF-style: chrX-53280229-GCTGAGCTGTCCTCTTGCTGT-A.
Other names: c.1509_1529delinsT, p.Glu503fs (NM_001410736.1, NM_001441092.1); c.1011_1031delinsT, p.Glu337fs (NM_001441093.1); c.798_818delinsT, p.Glu266fs (NM_001441094.1, NM_001441095.1); c.894_914delinsT, p.Glu298fs (NM_015075.2); short protein forms E266fs, E503fs, E298fs, E337fs.
Identifiers: ClinVar variation 4993037 (VCV004993037.1).
Genomic context (GRCh38, chrX:53,251,047, plus strand): 5'-TCAGGGGATTGTTGGGGAACTGTGTCATCCAGGTAGAGGGGAAGATCACTGAAGGATGTG[GCTGAGCTGTCCTCTTGCTGT>A]TCCTTTGACTCCCGCTTCTCCAGCTGGGCTGACCCTGGCTCCTCAGACATGGGCCCTGAC-3'

ClinVar aggregate classification (germline): Likely pathogenic (1 of 4 stars; one submission).

Conditions:
IQSEC2-related disorder. Also called: IQSEC2-related condition.

Submission:

PreventionGenetics, part of Exact Sciences
Classification: Likely pathogenic for IQSEC2-related condition. Last evaluated: 2025-10-21. Review status: criteria provided, single submitter. Criteria: ACMG Guidelines, 2015. Collection method: clinical testing. Allele origin: germline.
Comment: The IQSEC2 c.1509_1529delinsT variant is predicted to result in a frameshift and premature protein termination (p.Glu503Aspfs*6). To our knowledge, this variant has not been reported in the literature or in a large population database (gnomAD), indicating this variant is rare. Frameshift variants in IQSEC2 are expected to be pathogenic. This variant is interpreted as likely pathogenic.